The following is an entry in ClinVar:

NM_001267550.2(TTN):c.58413_58414del (p.Phe19471fs)

Genes: TTN-AS1 (TTN antisense RNA 1; plus strand), TTN (titin; minus strand). Cytogenetic location: 2q31.2.
Variant type: Deletion.
Coding change: c.58413_58414del on transcript NM_001267550.2 (MANE Select); coding-DNA positions 58413 to 58414, 2 bases deleted (CT; older notation c.58413_58414delCT).
Protein change: p.Phe19471fs; shifts the reading frame from phenylalanine 19471.
Molecular consequence: frameshift variant.
Genome position (GRCh38, 1-based): chr2:178,593,979-178,593,980, AG deleted on the plus strand (CT on the coding strand, the reverse complement: TTN is on the minus strand); deleting any 2 consecutive bases within chr2:178,593,979-178,593,981 gives the same sequence; the c. name uses the placement nearest the transcript's 3' end. VCF-style (leftmost placement, unchanged base first): chr2-178593978-CAG-C. GRCh37 (hg19) VCF-style: chr2-179458705-CAG-C.
Other names: c.53490_53491del, p.Phe17830fs (NM_001256850.1); c.31218_31219del, p.Phe10406fs (NM_003319.4); c.50709_50710del, p.Phe16903fs (NM_133378.4); c.31593_31594del, p.Phe10531fs (NM_133432.3); c.31794_31795del, p.Phe10598fs (NM_133437.4); short protein forms F10531fs, F10598fs, F10406fs, F19471fs, F16903fs, F17830fs.
Identifiers: ClinVar variation 1482540 (VCV001482540.8), dbSNP rs2154186876, ClinGen allele CA2573133785.

ClinVar aggregate classification (germline): Likely pathogenic (1 of 4 stars; one submission).

Conditions:
Dilated cardiomyopathy 1G (CMD1G). Identifiers: Orphanet 154, MedGen C1858763, MONDO:0011400, OMIM 604145.
Autosomal recessive limb-girdle muscular dystrophy type 2J (LGMDR10). Also called: Limb-girdle muscular dystrophy, type 2J; MUSCULAR DYSTROPHY, LIMB-GIRDLE, AUTOSOMAL RECESSIVE 10. Identifiers: Orphanet 140922, MedGen C1837342, MONDO:0012127, OMIM 608807.

Submission:

Labcorp Genetics (formerly Invitae), Labcorp
Classification: Likely pathogenic for Dilated cardiomyopathy 1G; Autosomal recessive limb-girdle muscular dystrophy type 2J. Last evaluated: 2020-12-15. Review status: criteria provided, single submitter. Criteria: Invitae Variant Classification Sherloc (09022015). Collection method: clinical testing. Allele origin: germline.
Comment: In summary, the currently available evidence indicates that the variant is pathogenic, but additional data are needed to prove that conclusively. Therefore, this variant has been classified as Likely Pathogenic. This variant is located in the A band of TTN (PMID: 25589632). Truncating variants in this region are significantly overrepresented in patients affected with dilated cardiomyopathy (PMID: 25589632). Truncating variants in this region have also been reported in individuals affected with autosomal recessive centronuclear myopathy (PMID: 23975875). This variant has not been reported in the literature in individuals with TTN-related conditions. This variant is not present in population databases (ExAC no frequency). This sequence change creates a premature translational stop signal (p.Phe19471Leufs*4) in the TTN gene. While this is not anticipated to result in nonsense mediated decay, it is expected to create a truncated TTN protein.

Literature cited by the submitters: PubMed 25589632; PubMed 23975875.